The following is an entry in ClinVar:

ClinVar aggregate classification (germline): Uncertain significance (1 of 4 stars; one submission).

Submission:

GeneDx
Classification: Uncertain significance. Last evaluated: 2025-03-11. Review status: criteria provided, single submitter. Criteria: GeneDx Variant Classification Process June 2021. Collection method: clinical testing. Allele origin: germline. Affected: yes.
Comment: In silico analysis indicates that this missense variant does not alter protein structure/function; Has not been previously published as pathogenic or benign to our knowledge; Variants in candidate genes are classified as variants of uncertain significance in accordance with ACMG guidelines (PMID: 25741868)

NM_001282874.2(SMARCA1):c.71T>C (p.Ile24Thr)

Gene: SMARCA1 (SNF2 related chromatin remodeling ATPase 1; minus strand). Cytogenetic location: Xq26.1.
Variant type: single nucleotide variant.
Coding change: c.71T>C on transcript NM_001282874.2 (MANE Select); coding-DNA position 71, T replaced by C.
Protein change: p.Ile24Thr; replaces isoleucine 24 with threonine.
Molecular consequence: missense variant.
Genome position (GRCh38, 1-based): chrX:129,523,300, A>G on the plus strand (T>C on the coding strand, the complement: SMARCA1 is on the minus strand). VCF-style: chrX-129523300-A-G. GRCh37 (hg19) VCF-style: chrX-128657277-A-G.
Other names: c.71T>C, p.Ile24Thr (NM_001282875.2, NM_001378261.1, NM_001378262.1 and 3 more transcripts); short protein forms I24T.
Identifiers: ClinVar variation 4083088 (VCV004083088.1).